The following is an entry in ClinVar:

ClinVar aggregate classification (germline): Likely pathogenic (1 of 4 stars; one submission).

Conditions:
Hypophosphatasia. Also called: Phosphoethanol-aminuria. Identifiers: Orphanet 436, MedGen C0020630, MeSH D007014, MONDO:0018570.

Submission:

Genomenon, Inc
Classification: Likely pathogenic for Hypophosphatasia. Last evaluated: 2025-08-29. Review status: criteria provided, single submitter. Criteria: Genomenon Sequence Variant Interpretation Standards. Collection method: curation. Allele origin: germline. Affected: yes.
Comment: ALPL c.457T>A is a missense variant that changes the amino acid at residue 153 from Tryptophan to Arginine. This variant has been observed in at least one proband affected with hypophosphatasia (PMID:39506814;21713987). It has been observed in trans with a pathogenic variant (PMID:21713987). It is absent or not present at a significant frequency in gnomAD. In conclusion, we classify ALPL p.Trp153Arg (c.457T>A) as a likely pathogenic variant.

Literature cited by the submitters: PubMed 39506814; PubMed 21713987.

NM_000478.6(ALPL):c.457T>A (p.Trp153Arg)

Gene: ALPL (alkaline phosphatase, biomineralization associated; plus strand). Cytogenetic location: 1p36.12.
Variant type: single nucleotide variant.
Coding change: c.457T>A on transcript NM_000478.6 (MANE Select); coding-DNA position 457, T replaced by A.
Protein change: p.Trp153Arg; replaces tryptophan 153 with arginine.
Molecular consequence: missense variant.
Genome position (GRCh38, 1-based): chr1:21,563,269, T>A. VCF-style: chr1-21563269-T-A. GRCh37 (hg19) VCF-style: chr1-21889762-T-A.
Other names: c.292T>A, p.Trp98Arg (NM_001127501.4); c.226T>A, p.Trp76Arg (NM_001177520.3); c.457T>A, p.Trp153Arg (NM_001369803.2, NM_001369804.2, NM_001369805.2); short protein forms W153R, W76R, W98R.
Identifiers: ClinVar variation 4086808 (VCV004086808.1).